The following is an entry in ClinVar:

NM_001366521.1(ATP2B1):c.2488C>T (p.Leu830Phe)

Gene: ATP2B1 (ATPase plasma membrane Ca2+ transporting 1; minus strand). Cytogenetic location: 12q21.33.
Variant type: single nucleotide variant.
Coding change: c.2488C>T on transcript NM_001366521.1 (MANE Select); coding-DNA position 2488, C replaced by T.
Protein change: p.Leu830Phe; replaces leucine 830 with phenylalanine.
Molecular consequence: missense variant. On other transcripts: non-coding transcript variant (3).
Genome position (GRCh38, 1-based): chr12:89,604,301, G>A on the plus strand (C>T on the coding strand, the complement: ATP2B1 is on the minus strand). VCF-style: chr12-89604301-G-A. GRCh37 (hg19) VCF-style: chr12-89998078-G-A.
Other names: c.2488C>T, p.Leu830Phe (NM_001001323.2, NM_001366520.1, NM_001366522.1 and 12 more transcripts); c.2290C>T, p.Leu764Phe (NM_001366530.1, NM_001413053.1); c.1927C>T, p.Leu643Phe (NM_001366531.1, NM_001366532.1, NM_001413058.1 and 2 more transcripts); c.2449C>T, p.Leu817Phe (NM_001413048.1); c.2347C>T, p.Leu783Phe (NM_001413051.1, NM_001413052.1, NM_001413055.1); c.2245C>T, p.Leu749Phe (NM_001413054.1); c.2233C>T, p.Leu745Phe (NM_001413056.1); c.2035C>T, p.Leu679Phe (NM_001413057.1); short protein forms L643F, L679F, L745F, L749F, L764F, L783F, L817F, L830F.
Identifiers: ClinVar variation 3366135 (VCV003366135.1).

ClinVar aggregate classification (germline): Uncertain significance (1 of 4 stars; one submission).

Submission:

GeneDx
Classification: Uncertain significance. Last evaluated: 2023-10-14. Review status: criteria provided, single submitter. Criteria: GeneDx Variant Classification Process June 2021. Collection method: clinical testing. Allele origin: germline. Affected: yes.
Comment: Not observed at significant frequency in large population cohorts (gnomAD); In silico analysis supports that this missense variant has a deleterious effect on protein structure/function; In silico analysis suggests this variant may impact gene splicing. In the absence of RNA/functional studies, the actual effect of this sequence change is unknown.; Has not been previously published as pathogenic or benign to our knowledge